The following is an entry in ClinVar:

ClinVar aggregate classification (germline): Benign/Likely benign. Review status: criteria provided, multiple submitters, no conflicts (2 of 4 stars). 3 submissions from 3 submitters: Benign (1); Likely benign (2). Last evaluated 2025-05-27.

Conditions:
Hereditary cancer-predisposing syndrome. Also called: Neoplastic Syndromes, Hereditary; Hereditary Cancer Syndrome; Hereditary neoplastic syndrome; Tumor predisposition. Identifiers: Orphanet 140162, MedGen C0027672, MeSH D009386, MONDO:0015356.
Tuberous sclerosis 2 (TSC2). Identifiers: Orphanet 805, MedGen C1860707, MONDO:0013199, OMIM 613254.

Submissions (3):

Myriad Genetics, Inc.
Classification: Benign for Tuberous sclerosis 2. Last evaluated: 2025-05-27. Review status: criteria provided, single submitter. Criteria: Myriad Autosomal Dominant, Autosomal Recessive and X-Linked Classification Criteria (2023). Collection method: clinical testing. Allele origin: unknown.
Comment: This variant is considered benign. This variant is a silent/synonymous amino acid change and it is not expected to impact splicing.

Ambry Genetics
Classification: Likely benign for Hereditary cancer-predisposing syndrome. Last evaluated: 2025-05-08. Review status: criteria provided, single submitter. Criteria: Ambry Variant Classification Scheme 2023. Collection method: clinical testing. Allele origin: germline.

Labcorp Genetics (formerly Invitae), Labcorp
Classification: Likely benign for Tuberous sclerosis 2. Last evaluated: 2024-02-16. Review status: criteria provided, single submitter. Criteria: Invitae Variant Classification Sherloc (09022015). Collection method: clinical testing. Allele origin: germline.

NM_000548.5(TSC2):c.2928G>A (p.Arg976=)

Gene: TSC2 (TSC complex subunit 2; plus strand). Cytogenetic location: 16p13.3.
Variant type: single nucleotide variant.
Coding change: c.2928G>A on transcript NM_000548.5 (MANE Select); coding-DNA position 2928, G replaced by A.
Protein change: p.Arg976=; no amino-acid change (arginine 976 retained).
Molecular consequence: synonymous variant. On other transcripts: intron variant (9).
Genome position (GRCh38, 1-based): chr16:2,077,688, G>A. VCF-style: chr16-2077688-G-A. GRCh37 (hg19) VCF-style: chr16-2127689-G-A.
Other names: c.2837+1103G>A (NM_001363528.2, NM_001370404.1, NM_001077183.3 and 2 more transcripts); c.2726+1103G>A (NM_001318827.2); c.2237+1103G>A (NM_001318831.2); c.2690+1103G>A (NM_001318829.2); c.2870+1103G>A (NM_001318832.2); c.2928G>A, p.Arg976= (NM_001114382.3); c.2928G>A (NM_000548.3).
Identifiers: ClinVar variation 1113878 (VCV001113878.11), dbSNP rs2151415832, ClinGen allele CA492954950.
Genomic context (GRCh38, chr16:2,077,688, plus strand): 5'-CTTGAATAACTCTCCACCCGTGAAAGAATTCAAGGAGAGCTCTGCAGCCGAGGCCTTCCG[G>A]TGCCGCAGCATCAGTGTGTCTGAACATGTGGTCCGCAGGTAGCGGGACTGTCGGGTGGGG-3'
Protein context (NP_000539.2, residues 966-986): FKESSAAEAF[Arg976=]CRSISVSEHV